The following is an entry in ClinVar:

NM_000388.4(CASR):c.649G>T (p.Asp217Tyr)

Gene: CASR (calcium sensing receptor; plus strand). Cytogenetic location: 3q21.1.
Variant type: single nucleotide variant.
Coding change: c.649G>T on transcript NM_000388.4 (MANE Select); coding-DNA position 649, G replaced by T.
Protein change: p.Asp217Tyr; replaces aspartic acid 217 with tyrosine.
Molecular consequence: missense variant.
Genome position (GRCh38, 1-based): chr3:122,261,684, G>T. VCF-style: chr3-122261684-G-T. GRCh37 (hg19) VCF-style: chr3-121980531-G-T.
Other names: c.649G>T, p.Asp217Tyr (NM_001178065.2); short protein forms D217Y.
Identifiers: ClinVar variation 430465 (VCV000430465.6), dbSNP rs201091657, ClinGen allele CA354151047.
Genomic context (GRCh38, chr3:122,261,684, plus strand): 5'-ATGGCAGACATCATCGAGTATTTCCGCTGGAACTGGGTGGGCACAATTGCAGCTGATGAC[G>T]ACTATGGGCGGCCGGGGATTGAGAAATTCCGAGAGGAAGCTGAGGAAAGGGATATCTGCA-3'
Protein context (NP_000379.3, residues 207-227): NWVGTIAADD[Asp217Tyr]YGRPGIEKFR

ClinVar aggregate classification (germline): Pathogenic/Likely pathogenic. Review status: criteria provided, multiple submitters, no conflicts (2 of 4 stars). 3 submissions from 3 submitters: Pathogenic (1); Likely pathogenic (2). Last evaluated 2025-05-01.

Conditions:
Autosomal dominant hypocalcemia 1 (HYPOC1). Also called: HYPOCALCEMIA, FAMILIAL. Identifiers: MedGen C3715128, MONDO:0011013, OMIM 601198.
Familial hypocalciuric hypercalcemia 1. Also called: Hypercalcemia, familial benign type 1. Identifiers: Orphanet 405, Orphanet 93372, MedGen C0342637, MONDO:0007791, OMIM 145980.
Nephrolithiasis/nephrocalcinosis. Identifiers: MedGen CN580796.

Submissions (3):

Rare Kidney Stone Consortium and the Mayo Clinic Hyperoxaluria Center, Mayo Clinic
Classification: Likely pathogenic for Autosomal dominant hypocalcemia 1; Familial hypocalciuric hypercalcemia 1. Last evaluated: 2025-05-01. Review status: criteria provided, single submitter. Criteria: ACMG Guidelines, 2015. Collection method: research. Allele origin: germline. Affected: yes.
Comment: ACMG: PM2, PP2, PP3,PP4, PP5

Ambry Genetics
Classification: Pathogenic for Nephrolithiasis/nephrocalcinosis. Last evaluated: 2024-08-29. Review status: criteria provided, single submitter. Criteria: Ambry Variant Classification Scheme 2023. Collection method: clinical testing. Allele origin: germline.
Comment: The c.649G>T (p.D217Y) alteration is located in exon 4 (coding exon 3) of the CASR gene. This alteration results from a G to T substitution at nucleotide position 649, causing the aspartic acid (D) at amino acid position 217 to be replaced by a tyrosine (Y). Based on the available evidence, the CASR c.649G>T (p.D217Y) alteration is likely pathogenic for CASR-related hypocalcemia; however, it is unlikely to be causative of CASR-related familial hypocalciuric hypercalcemia or neonatal hyperparathyroidism. This variant was not reported in population-based cohorts in the Genome Aggregation Database (gnomAD). This variant was reported in multiple individuals with features consistent with CASR-related hypocalcemia (also known as ADH1) (Wang, 2019). This amino acid position is highly conserved in available vertebrate species. This alteration is predicted to be deleterious by in silico analysis. Based on the available evidence, this alteration is classified as pathogenic.

GeneDx
Classification: Likely pathogenic. Last evaluated: 2016-09-01. Review status: criteria provided, single submitter. Criteria: GeneDx Variant Classification (06012015). Collection method: clinical testing. Allele origin: germline. Affected: yes.
Comment: The D217Y variant has not been published as a pathogenic variant, nor has it been reported as a benign variant to our knowledge. The D217Y variant was not observed in approximately 6,500 individuals of European and African American ancestry in the NHLBI Exome Sequencing Project, indicating it is not a common benign variant in these populations. The D217Y variant is a non-conservative amino acid substitution, which is likely to impact secondary protein structure as these residues differ in polarity, charge, size and/or other properties. This substitution occurs at a position that is conserved across species. In silico analysis predicts this variant is probably damaging to the protein structure/function. Variants in nearby residues (insert nearby pathogenic variants) have been reported in the Human Gene Mutation Database in association with hypocalciuric hypercalcaemia (Stenson et al., 2014). Therefore, this variant is likely pathogenic; however, the possibility that it is benign cannot be excluded

Literature cited by the submitters: PubMed 34805638 (cited by Rare Kidney Stone Consortium and the Mayo Clinic Hyperoxaluria Center, Mayo Clinic and Ambry Genetics); PubMed 31433868 (cited by Rare Kidney Stone Consortium and the Mayo Clinic Hyperoxaluria Center, Mayo Clinic and Ambry Genetics); PubMed 8675635 (cited by Ambry Genetics); PubMed 12580936 (cited by Ambry Genetics); PubMed 22422767 (cited by Ambry Genetics); PubMed 26963950 (cited by Ambry Genetics); PubMed 36413997 (cited by Ambry Genetics).